The following is an entry in ClinVar:

ClinVar aggregate classification (germline): Benign (1 of 4 stars; one submission).

Allele frequency attached by ClinVar (database versions not stated): 1000 Genomes Project 30x 0.39022; 1000 Genomes Project 0.39277; gnomAD 0.41785; TOPMed 0.41791; gnomAD exomes 0.43197.
gnomAD v4.1: 263,585 of 614,812 alleles (43%); highest among the groups gnomAD compares: Middle Eastern, 48%; 58,273 homozygotes.

Submission:

Unidad de Genómica Garrahan, Hospital de Pediatría Garrahan
Classification: Benign. Last evaluated: 2024-01-24. Review status: criteria provided, single submitter. Criteria: ACMG Guidelines, 2015. Collection method: clinical testing. Allele origin: germline. Affected: no. Observed: 29 variant alleles.
Comment: This variant is classified as Benign based on local population frequency. This variant was detected in 31% of patients studied by a panel of primary immunodeficiencies. Number of patients: 29. Only high quality variants are reported.

NM_017553.3(INO80):c.2071-96C>T

Gene: INO80 (INO80 complex ATPase subunit; minus strand). Cytogenetic location: 15q15.1.
Variant type: single nucleotide variant.
Coding change: c.2071-96C>T on transcript NM_017553.3 (MANE Select); 96 bases into the intron before coding-DNA position 2071, C replaced by T.
Molecular consequence: intron variant.
Genome position (GRCh38, 1-based): chr15:41,055,460, G>A on the plus strand (C>T on the coding strand, the complement: INO80 is on the minus strand). VCF-style: chr15-41055460-G-A. GRCh37 (hg19) VCF-style: chr15-41347658-G-A.
Identifiers: ClinVar variation 2688243 (VCV002688243.2), dbSNP rs2306083, ClinGen allele CA14077840.